The following is an entry in ClinVar:

NM_000553.6(WRN):c.3095C>G (p.Ser1032Cys)

Gene: WRN (WRN RecQ like helicase; plus strand). Cytogenetic location: 8p12.
Variant type: single nucleotide variant.
Coding change: c.3095C>G on transcript NM_000553.6 (MANE Select); coding-DNA position 3095, C replaced by G.
Protein change: p.Ser1032Cys; replaces serine 1032 with cysteine.
Molecular consequence: missense variant.
Genome position (GRCh38, 1-based): chr8:31,141,557, C>G. VCF-style: chr8-31141557-C-G. GRCh37 (hg19) VCF-style: chr8-30999073-C-G.
Other names: short protein forms S1032C.
Identifiers: ClinVar variation 3670236 (VCV003670236.2).

ClinVar aggregate classification (germline): Uncertain significance (1 of 4 stars; one submission).

Conditions:
Werner syndrome (WRN). Identifiers: Orphanet 902, MedGen C0043119, MONDO:0010196, OMIM 277700.

Submission:

Labcorp Genetics (formerly Invitae), Labcorp
Classification: Uncertain significance for Werner syndrome. Last evaluated: 2024-07-15. Review status: criteria provided, single submitter. Criteria: Invitae Variant Classification Sherloc (09022015). Collection method: clinical testing. Allele origin: germline.
Comment: This sequence change replaces serine, which is neutral and polar, with cysteine, which is neutral and slightly polar, at codon 1032 of the WRN protein (p.Ser1032Cys). This variant is not present in population databases (gnomAD no frequency). This variant has not been reported in the literature in individuals affected with WRN-related conditions. An algorithm developed to predict the effect of missense changes on protein structure and function (PolyPhen-2) suggests that this variant is likely to be tolerated. In summary, the available evidence is currently insufficient to determine the role of this variant in disease. Therefore, it has been classified as a Variant of Uncertain Significance.